The following is an entry in ClinVar:

NM_001370259.2(MEN1):c.1392G>T (p.Ala464=)

Gene: MEN1 (menin 1; minus strand). Cytogenetic location: 11q13.1.
Variant type: single nucleotide variant.
Coding change: c.1392G>T on transcript NM_001370259.2 (MANE Select); coding-DNA position 1392, G replaced by T.
Protein change: p.Ala464=; no amino-acid change (alanine 464 retained).
Molecular consequence: synonymous variant. On other transcripts: non-coding transcript variant (4).
Genome position (GRCh38, 1-based): chr11:64,804,775, C>A on the plus strand (G>T on the coding strand, the complement: MEN1 is on the minus strand). VCF-style: chr11-64804775-C-A. GRCh37 (hg19) VCF-style: chr11-64572247-C-A.
Other names: c.1407G>T, p.Ala469= (NM_000244.4, NM_001407145.1, NM_130800.3 and 4 more transcripts); c.1518G>T, p.Ala506= (NM_001370251.2, NM_001407142.1, NM_001407143.1 and 1 more transcripts); c.1392G>T, p.Ala464= (NM_001370260.2, NM_001370261.2, NM_001407146.1 and 2 more transcripts); c.1287G>T, p.Ala429= (NM_001370262.2, NM_001370263.2, NM_001407148.1 and 1 more transcripts); c.1533G>T, p.Ala511= (NM_001407150.1); c.1413G>T, p.Ala471= (NM_001407151.1); c.1227G>T, p.Ala409= (NM_001407152.1).
Identifiers: ClinVar variation 3773363 (VCV003773363.1).

ClinVar aggregate classification (germline): Benign (1 of 4 stars; one submission).

Conditions:
Multiple endocrine neoplasia, type 1 (MEN1). Also called: MEN I; WERMER SYNDROME; Endocrine adenomatosis multiple; MEN 1; MEA I. Identifiers: Orphanet 652, MedGen C0025267, MeSH D018761, MONDO:0007540, OMIM 131100.

Submission:

Myriad Genetics, Inc.
Classification: Benign for Multiple endocrine neoplasia, type 1. Last evaluated: 2024-11-05. Review status: criteria provided, single submitter. Criteria: Myriad Autosomal Dominant, Autosomal Recessive and X-Linked Classification Criteria (2023). Collection method: clinical testing. Allele origin: unknown.
Comment: This variant is considered benign. This variant is a silent/synonymous amino acid change and it is not expected to impact splicing.